The following is an entry in ClinVar:

NM_021930.6(RINT1):c.538A>C (p.Met180Leu)

Gene: RINT1 (RAD50 interactor 1; plus strand). Cytogenetic location: 7q22.3.
Variant type: single nucleotide variant.
Coding change: c.538A>C on transcript NM_021930.6 (MANE Select); coding-DNA position 538, A replaced by C.
Protein change: p.Met180Leu; replaces methionine 180 with leucine.
Molecular consequence: missense variant. On other transcripts: 5 prime UTR variant (2), non-coding transcript variant (1), intron variant (1).
Genome position (GRCh38, 1-based): chr7:105,546,932, A>C. VCF-style: chr7-105546932-A-C. GRCh37 (hg19) VCF-style: chr7-105187379-A-C.
Other names: c.304A>C, p.Met102Leu (NM_001346599.2); c.-482A>C (NM_001346600.2); c.-385A>C (NM_001346601.2); c.-27-3123A>C (NM_001346603.2); short protein forms M102L, M180L.
Identifiers: ClinVar variation 3789206 (VCV003789206.1).

ClinVar aggregate classification (germline): Uncertain significance (1 of 4 stars; one submission).

Submission:

Ambry Genetics
Classification: Uncertain significance. Last evaluated: 2025-02-06. Review status: criteria provided, single submitter. Criteria: Ambry Variant Classification Scheme 2023. Collection method: clinical testing. Allele origin: germline.
Comment: The p.M180L variant (also known as c.538A>C), located in coding exon 5 of the RINT1 gene, results from an A to C substitution at nucleotide position 538. The methionine at codon 180 is replaced by leucine, an amino acid with highly similar properties. This amino acid position is conserved. In addition, this alteration is predicted to be tolerated by in silico analysis. Based on the available evidence, the clinical significance of this variant remains unclear.